The following is an entry in ClinVar:

ClinVar aggregate classification (germline): Uncertain significance. Review status: criteria provided, multiple submitters, no conflicts (2 of 4 stars). 2 submissions from 2 submitters: Uncertain significance (2). Last evaluated 2024-04-02.

Conditions:
Fanconi anemia complementation group P. Also called: SLX4-Related Fanconi Anemia. Identifiers: Orphanet 84, MedGen C3469542, MONDO:0013499, OMIM 613951.
Fanconi anemia (FA). Also called: Fanconi's anemia. Identifiers: Orphanet 84, MedGen C0015625, MeSH D005199, MONDO:0019391.

Allele frequency attached by ClinVar (database versions not stated): gnomAD exomes below 0.00001 and 0.00001; ExAC 0.00001.
gnomAD v4.1: 2 of 1,614,100 alleles (0.00012%); highest among the groups gnomAD compares: East Asian, 0.0022%; no homozygotes.

Submissions (2):

Fulgent Genetics
Classification: Uncertain significance for Fanconi anemia complementation group P. Last evaluated: 2024-04-02. Review status: criteria provided, single submitter. Criteria: ACMG Guidelines, 2015. Collection method: clinical testing. Allele origin: germline.

Labcorp Genetics (formerly Invitae), Labcorp
Classification: Uncertain significance for Fanconi anemia. Last evaluated: 2023-03-23. Review status: criteria provided, single submitter. Criteria: Invitae Variant Classification Sherloc (09022015). Collection method: clinical testing. Allele origin: germline.
Comment: This sequence change replaces glutamine, which is neutral and polar, with glutamic acid, which is acidic and polar, at codon 966 of the SLX4 protein (p.Gln966Glu). This variant is present in population databases (rs770456496, gnomAD 0.01%). This variant has not been reported in the literature in individuals affected with SLX4-related conditions. ClinVar contains an entry for this variant (Variation ID: 943156). Algorithms developed to predict the effect of missense changes on protein structure and function output the following: SIFT: "Not Available"; PolyPhen-2: "Benign"; Align-GVGD: "Not Available". The glutamic acid amino acid residue is found in multiple mammalian species, which suggests that this missense change does not adversely affect protein function. In summary, the available evidence is currently insufficient to determine the role of this variant in disease. Therefore, it has been classified as a Variant of Uncertain Significance.

NM_032444.4(SLX4):c.2896C>G (p.Gln966Glu)

Gene: SLX4 (SLX4 structure-specific endonuclease subunit; minus strand). Cytogenetic location: 16p13.3.
Variant type: single nucleotide variant.
Coding change: c.2896C>G on transcript NM_032444.4 (MANE Select); coding-DNA position 2896, C replaced by G.
Protein change: p.Gln966Glu; replaces glutamine 966 with glutamic acid.
Molecular consequence: missense variant.
Genome position (GRCh38, 1-based): chr16:3,590,742, G>C on the plus strand (C>G on the coding strand, the complement: SLX4 is on the minus strand). VCF-style: chr16-3590742-G-C. GRCh37 (hg19) VCF-style: chr16-3640743-G-C.
Other names: short protein forms Q966E.
Identifiers: ClinVar variation 943156 (VCV000943156.10), dbSNP rs770456496, ClinGen allele CA7866041.